The following is an entry in ClinVar:

NM_017763.6(RNF43):c.153C>A (p.Ile51=)

Gene: RNF43 (ring finger protein 43; minus strand). Cytogenetic location: 17q22.
Variant type: single nucleotide variant.
Coding change: c.153C>A on transcript NM_017763.6 (MANE Select); coding-DNA position 153, C replaced by A.
Protein change: p.Ile51=; no amino-acid change (isoleucine 51 retained).
Molecular consequence: synonymous variant. On other transcripts: intron variant (1).
Genome position (GRCh38, 1-based): chr17:58,415,425, G>T on the plus strand (C>A on the coding strand, the complement: RNF43 is on the minus strand). VCF-style: chr17-58415425-G-T. GRCh37 (hg19) VCF-style: chr17-56492786-G-T.
Other names: c.153C>A, p.Ile51= (NM_001305544.3, NM_001438820.1, NM_001438821.1 and 1 more transcripts); c.-130+1592C>A (NM_001437987.1).
Identifiers: ClinVar variation 4875727 (VCV004875727.1).

ClinVar aggregate classification (germline): Benign (1 of 4 stars; one submission).

Conditions:
Sessile serrated polyposis cancer syndrome (SSPCS). Identifiers: Orphanet 157798, MedGen C4310714, MONDO:0014919, OMIM 617108.

Submission:

Myriad Genetics, Inc.
Classification: Benign for Sessile serrated polyposis cancer syndrome. Last evaluated: 2026-06-29. Review status: criteria provided, single submitter. Criteria: Myriad Autosomal Dominant, Autosomal Recessive and X-Linked Classification Criteria (2023). Collection method: clinical testing. Allele origin: unknown.
Comment: This variant is considered benign. This variant is a silent/synonymous amino acid change and it is not expected to impact splicing.